The following is an entry in ClinVar:

NM_203447.4(DOCK8):c.380G>A (p.Arg127His)

Gene: DOCK8 (dedicator of cytokinesis 8; plus strand). Cytogenetic location: 9p24.3.
Variant type: single nucleotide variant.
Coding change: c.380G>A on transcript NM_203447.4 (MANE Select); coding-DNA position 380, G replaced by A.
Protein change: p.Arg127His; replaces arginine 127 with histidine.
Molecular consequence: missense variant.
Genome position (GRCh38, 1-based): chr9:289,557, G>A. VCF-style: chr9-289557-G-A. GRCh37 (hg19) VCF-style: chr9-289557-G-A.
Other names: p.Arg127His; c.176G>A, p.Arg59His (NM_001190458.2, NM_001193536.2); short protein forms R127H, R59H.
Identifiers: ClinVar variation 366538 (VCV000366538.61), dbSNP rs150742426, ClinGen allele CA4957202.
Genomic context (GRCh38, chr9:289,557, plus strand): 5'-TCTACCTCATTAGGGTTGAACTGGACCCTCATGTCAGGGACTGTGTTCAGACCTACATCC[G>A]TGAGTGGCTAATCGTGAACCGGAAGTAAGTTACTTTTTTTCCACTTTTTGTATATAAATA-3'
Protein context (NP_982272.2, residues 117-137): HVRDCVQTYI[Arg127His]EWLIVNRKNQ

ClinVar aggregate classification (germline): Conflicting classifications of pathogenicity. Review status: criteria provided, conflicting classifications (1 of 4 stars). 13 submissions from 13 submitters: Uncertain significance (1); Benign (1); Likely benign (6). 5 of the submissions do not count toward it. Last evaluated 2026-02-02.

Conditions:
Combined immunodeficiency due to DOCK8 deficiency (HIES2). Also called: HYPER-IgE RECURRENT INFECTION SYNDROME 2, AUTOSOMAL RECESSIVE; HIES autosomal recessive; HYPER-IgE SYNDROME 2, AUTOSOMAL RECESSIVE, WITH RECURRENT INFECTIONS; DOCK8 Deficiency; Hyper-IgE recurrent infection syndrome, autosomal recessive. Identifiers: Orphanet 217390, MedGen C4722305, MONDO:0009478, OMIM 243700.
DOCK8-related disorder. Also called: DOCK8-related condition.
Intellectual disability. Also called: Intellectual functioning disability; Intellectual developmental disorder; intellectual disabilities. Identifiers: MedGen C3714756, MeSH D008607, MONDO:0001071, HP:0001249.

Allele frequency attached by ClinVar (database versions not stated): 1000 Genomes Project 30x 0.00031; 1000 Genomes Project 0.00040; TOPMed 0.00176; gnomAD 0.00189 and 0.00196; gnomAD exomes 0.00200 and 0.00305; ExAC 0.00213; ESP Exome Variant Server 0.00238.
gnomAD v4.1: 4,663 of 1,612,154 alleles (0.29%); highest among the groups gnomAD compares: Non-Finnish European, 0.37%; 14 homozygotes.

Submissions (13):

Labcorp Genetics (formerly Invitae), Labcorp
Classification: Benign for Combined immunodeficiency due to DOCK8 deficiency. Last evaluated: 2026-02-02. Review status: criteria provided, single submitter. Criteria: Invitae Variant Classification Sherloc (09022015). Collection method: clinical testing. Allele origin: germline.

CeGaT Center for Human Genetics Tuebingen
Classification: Likely benign. Last evaluated: 2025-10-01. Review status: criteria provided, single submitter. Criteria: CeGaT Center For Human Genetics Tuebingen Variant Classification Criteria Version 2. Collection method: clinical testing. Allele origin: germline. Affected: yes. Observed: 12 variant alleles.
Comment: DOCK8: BP4, BS2

Blueprint Genetics
Classification: Likely benign. Last evaluated: 2024-11-14. Review status: criteria provided, single submitter. Criteria: ACMG Guidelines, 2015. Collection method: clinical testing. Allele origin: germline.

Mayo Clinic Laboratories, Mayo Clinic
Classification: Likely benign. Last evaluated: 2024-05-09. Review status: criteria provided, single submitter. Criteria: ACMG Guidelines, 2015. Collection method: clinical testing. Allele origin: germline. Observed: 7 variant alleles.
Comment: BS1, BS2, BP4

Genetic Services Laboratory, University of Chicago
Classification: Likely benign. Last evaluated: 2021-11-30. Review status: criteria provided, single submitter. Criteria: ACMG Guidelines, 2015. Collection method: clinical testing. Allele origin: germline. Affected: no.

Center for Genomics, Ann and Robert H. Lurie Children's Hospital of Chicago
Classification: Uncertain significance for Combined immunodeficiency due to DOCK8 deficiency. Last evaluated: 2021-03-30. Review status: criteria provided, single submitter. Criteria: ACMG Guidelines, 2015. Collection method: clinical testing. Allele origin: germline.
Comment: DOCK8 NM_203447.3 exon 4 p.Arg127His (c.380G>A): This variant has been reported in the literature as a compound heterozygote in 1 individual with inflammatory bowel disease (IBD) (Crowley 2020 PMID:32084423). This variant is present in 0.3% (464/129078) of European alleles, including 2 homozygotes in the Genome Aggregation Database. This variant is present in ClinVar, with several labs classifying this variant as Benign or Likely Benign (Variation ID:366538). Evolutionary conservation suggests that this variant may impact the protein; computational predictive tools for this variant are unclear. In summary, data on this variant suggests that this variant does not cause disease, but requires further evidence. Therefore, the clinical significance of this variant is uncertain.

GeneDx
Classification: Likely benign. Last evaluated: 2018-12-11. Review status: criteria provided, single submitter. Criteria: GeneDx Variant Classification Process June 2021. Collection method: clinical testing. Allele origin: germline. Affected: yes.
Comment: This variant is associated with the following publications: (PMID: 32084423)

Illumina Laboratory Services, Illumina
Classification: Likely benign for Combined immunodeficiency due to DOCK8 deficiency. Last evaluated: 2018-01-13. Review status: criteria provided, single submitter. Criteria: ICSL Variant Classification Criteria 13 December 2019. Collection method: clinical testing. Allele origin: germline.
Comment: This variant was observed in the ICSL laboratory as part of a predisposition screen in an ostensibly healthy population. It had not been previously curated by ICSL or reported in the Human Gene Mutation Database (HGMD: prior to June 1st, 2018), and was therefore a candidate for classification through an automated scoring system. Utilizing variant allele frequency, disease prevalence and penetrance estimates, and inheritance mode, an automated score was calculated to assess if this variant is too frequent to cause the disease. Based on the score and internal cut-off values, a variant classified as likely benign is not then subjected to further curation. The score for this variant resulted in a classification of likely benign for this disease.

PreventionGenetics, part of Exact Sciences
Classification: Likely benign for DOCK8-related condition. Last evaluated: 2020-06-03. Review status: no assertion criteria provided. Collection method: clinical testing. Allele origin: germline. Not counted in ClinVar's aggregate classification.
Comment: This variant is classified as likely benign based on ACMG/AMP sequence variant interpretation guidelines (Richards et al. 2015 PMID: 25741868, with internal and published modifications).

Centre de Biologie Pathologie Génétique, Centre Hospitalier Universitaire de Lille
Classification: Likely benign for Intellectual disability. Last evaluated: 2019-01-01. Review status: no assertion criteria provided. Collection method: clinical testing. Allele origin: inherited. Affected: yes. Not counted in ClinVar's aggregate classification.

Clinical Genetics DNA and cytogenetics Diagnostics Lab, Erasmus MC, Erasmus Medical Center
Classification: Likely benign. Review status: no assertion criteria provided. Collection method: clinical testing. Allele origin: germline. Affected: yes. Study: VKGL Data-share Consensus. Not counted in ClinVar's aggregate classification.

Diagnostic Laboratory, Department of Genetics, University Medical Center Groningen
Classification: Likely benign. Review status: no assertion criteria provided. Collection method: clinical testing. Allele origin: germline. Affected: yes. Study: VKGL Data-share Consensus. Not counted in ClinVar's aggregate classification.

Genome Diagnostics Laboratory, University Medical Center Utrecht
Classification: Likely benign. Review status: no assertion criteria provided. Collection method: clinical testing. Allele origin: germline. Affected: yes. Study: VKGL Data-share Consensus. Not counted in ClinVar's aggregate classification.